The following is an entry in ClinVar:

ClinVar aggregate classification (germline): Uncertain significance. Review status: criteria provided, multiple submitters, no conflicts (2 of 4 stars). 2 submissions from 2 submitters: Uncertain significance (2). Last evaluated 2026-01-07.

Conditions:
Inborn genetic diseases. Identifiers: MedGen C0950123, MeSH D030342.

gnomAD v4.1: 15 of 1,614,044 alleles (0.00093%); highest among the groups gnomAD compares: East Asian, 0.0067%; no homozygotes.

Submissions (2):

Labcorp Genetics (formerly Invitae), Labcorp
Classification: Uncertain significance. Last evaluated: 2026-01-07. Review status: criteria provided, single submitter. Criteria: Invitae Variant Classification Sherloc (09022015). Collection method: clinical testing. Allele origin: germline.
Comment: This sequence change replaces valine, which is neutral and non-polar, with isoleucine, which is neutral and non-polar, at codon 345 of the ETV6 protein (p.Val345Ile). This variant is present in population databases (rs765031845, gnomAD 0.02%). This variant has not been reported in the literature in individuals affected with ETV6-related conditions. ClinVar contains an entry for this variant (Variation ID: 3846509). Invitae Evidence Modeling of protein sequence and biophysical properties (such as structural, functional, and spatial information, amino acid conservation, physicochemical variation, residue mobility, and thermodynamic stability) indicates that this missense variant is not expected to disrupt ETV6 protein function with a negative predictive value of 80%. In summary, the available evidence is currently insufficient to determine the role of this variant in disease. Therefore, it has been classified as a Variant of Uncertain Significance.

Ambry Genetics
Classification: Uncertain significance for Inborn genetic diseases. Last evaluated: 2025-02-04. Review status: criteria provided, single submitter. Criteria: Ambry Variant Classification Scheme 2023. Collection method: clinical testing. Allele origin: germline.
Comment: The p.V345I variant (also known as c.1033G>A), located in coding exon 6 of the ETV6 gene, results from a G to A substitution at nucleotide position 1033. The valine at codon 345 is replaced by isoleucine, an amino acid with highly similar properties. This amino acid position is highly conserved in available vertebrate species. In addition, this alteration is predicted to be tolerated by in silico analysis. Based on the available evidence, the clinical significance of this variant remains unclear.

NM_001987.5(ETV6):c.1033G>A (p.Val345Ile)

Genes: ETV6 (ETS variant transcription factor 6; plus strand), LOC126861452 (CDK7 strongly-dependent group 2 enhancer GRCh37_chr12:12037195-12038394; plus strand). Cytogenetic location: 12p13.2.
Variant type: single nucleotide variant.
Coding change: c.1033G>A on transcript NM_001987.5 (MANE Select); coding-DNA position 1033, G replaced by A.
Protein change: p.Val345Ile; replaces valine 345 with isoleucine.
Molecular consequence: missense variant. On other transcripts: intron variant (1).
Genome position (GRCh38, 1-based): chr12:11,884,468, G>A. VCF-style: chr12-11884468-G-A. GRCh37 (hg19) VCF-style: chr12-12037402-G-A.
Other names: c.1030G>A, p.Val344Ile (NM_001413913.1); c.1006G>A, p.Val336Ile (NM_001413914.1); c.769G>A, p.Val257Ile (NM_001413915.1); c.1010-6473G>A (NM_001413917.1); short protein forms V336I, V344I, V257I, V345I.
Identifiers: ClinVar variation 3846509 (VCV003846509.2).
Genomic context (GRCh38, chr12:11,884,468, plus strand): 5'-ATTTTCAACAGTGTTTTCTTGCCCTTTTCCTCTGTAGACTGTAGACTGCTTTGGGATTAC[G>A]TCTATCAGTTGCTTTCTGACAGCCGGTACGAAAACTTCATCCGATGGGAGGACAAAGAAT-3'
Protein context (NP_001978.1, residues 335-355): IADCRLLWDY[Val345Ile]YQLLSDSRYE